The following is an entry in ClinVar:

ClinVar aggregate classification (germline): Uncertain significance (1 of 4 stars; one submission).

Conditions:
Developmental and epileptic encephalopathy. Identifiers: MedGen C5779964, MONDO:0100620.

Submission:

Labcorp Genetics (formerly Invitae), Labcorp
Classification: Uncertain significance for Early-infantile DEE. Last evaluated: 2024-01-30. Review status: criteria provided, single submitter. Criteria: Invitae Variant Classification Sherloc (09022015). Collection method: clinical testing. Allele origin: unknown.
Comment: This variant results in a copy number gain of the genomic region encompassing exon(s) 4-5 of the HCN1 gene. While the exact position of this variant cannot be determined from the data, sub-genic copy number gains are generally in tandem (PMID: 25640679). This variant is predicted to be in-frame, and likely preserves the integrity of the reading frame. This variant has not been reported in the literature in individuals affected with HCN1-related conditions. Experimental studies and prediction algorithms are not available or were not evaluated, and the functional significance of this variant is currently unknown. In summary, the available evidence is currently insufficient to determine the role of this variant in disease. Therefore, it has been classified as a Variant of Uncertain Significance.

Literature cited by the submitters: PubMed 25640679.

NC_000005.9:g.(?_45353182)_(45396832_?)dup

Gene: HCN1 (hyperpolarization activated cyclic nucleotide gated potassium channel 1; minus strand). Cytogenetic location: 5p12.
Variant type: Duplication.
Identifiers: ClinVar variation 3246314 (VCV003246314.1).